The following is an entry in ClinVar:

NM_000051.4(ATM):c.4237-18A>T

Gene: ATM (ATM serine/threonine kinase; plus strand). Cytogenetic location: 11q22.3.
Variant type: single nucleotide variant.
Coding change: c.4237-18A>T on transcript NM_000051.4 (MANE Select); 18 bases into the intron before coding-DNA position 4237, A replaced by T.
Molecular consequence: intron variant.
Genome position (GRCh38, 1-based): chr11:108,289,584, A>T. VCF-style: chr11-108289584-A-T. GRCh37 (hg19) VCF-style: chr11-108160311-A-T.
Other names: c.4237-18A>T (NM_001351834.2).
Identifiers: ClinVar variation 3254271 (VCV003254271.1), dbSNP rs756842639.

ClinVar aggregate classification (germline): Likely benign (1 of 4 stars; one submission).

Conditions:
Familial cancer of breast. Also called: BREAST CANCER, FAMILIAL; Hereditary breast cancer; hereditary breast carcinoma. Identifiers: Orphanet 227535, MedGen C0346153, MONDO:0016419, OMIM 114480. Disease mechanism: loss of function.

Submission:

Myriad Genetics, Inc.
Classification: Likely benign for Familial cancer of breast. Last evaluated: 2024-05-17. Review status: criteria provided, single submitter. Criteria: Myriad Autosomal Dominant, Autosomal Recessive and X-Linked Classification Criteria (2023). Collection method: clinical testing. Allele origin: unknown.
Comment: This variant is considered likely benign. This variant is intronic and is not expected to impact mRNA splicing.